The following is an entry in ClinVar:

ClinVar aggregate classification (germline): Likely benign (0 of 4 stars; one submission).

Conditions:
SIM1-related disorder. Also called: SIM1-related disorders; SIM1-related condition.

Allele frequency attached by ClinVar (database versions not stated): gnomAD exomes 0.00003; TOPMed 0.00004; ExAC 0.00005; gnomAD 0.00005.
gnomAD v4.1: 62 of 1,614,094 alleles (0.0038%); highest among the groups gnomAD compares: Non-Finnish European, 0.00051%; no homozygotes.

Submission:

PreventionGenetics, part of Exact Sciences
Classification: Likely benign for SIM1-related condition. Last evaluated: 2023-11-03. Review status: no assertion criteria provided. Collection method: clinical testing. Allele origin: germline.
Comment: This variant is classified as likely benign based on ACMG/AMP sequence variant interpretation guidelines (Richards et al. 2015 PMID: 25741868, with internal and published modifications).

NM_005068.3(SIM1):c.1351C>T (p.Leu451Phe)

Genes: SIM1 (SIM bHLH transcription factor 1; minus strand), SIM1-AS1 (SIM1 antisense RNA 1; plus strand). Cytogenetic location: 6q16.3.
Variant type: single nucleotide variant.
Coding change: c.1351C>T on transcript NM_005068.3 (MANE Select); coding-DNA position 1351, C replaced by T.
Protein change: p.Leu451Phe; replaces leucine 451 with phenylalanine.
Molecular consequence: missense variant. On other transcripts: non-coding transcript variant (1).
Genome position (GRCh38, 1-based): chr6:100,393,706, G>A on the plus strand (C>T on the coding strand, the complement: SIM1 is on the minus strand). VCF-style: chr6-100393706-G-A. GRCh37 (hg19) VCF-style: chr6-100841582-G-A.
Other names: c.1351C>T, p.Leu451Phe (NM_001374769.1); short protein forms L451F.
Identifiers: ClinVar variation 3043096 (VCV003043096.2), dbSNP rs201392316, ClinGen allele CA3937036.